The following is an entry in ClinVar:

GRCh38/hg38 21p11.2-q22.3(chr21:7749532-46670405)x3

Genes: LRRC3 (leucine rich repeat containing 3; plus strand), LRRC3-DT (LRRC3 divergent transcript; minus strand), LSS (lanosterol synthase; minus strand), LTN1 (listerin E3 ubiquitin protein ligase 1; minus strand), MAP3K7CL (MAP3K7 C-terminal like; plus strand) and 1158 more. Cytogenetic location: 21p11.2-q22.3.
Variant type: copy number gain.
Change: copy number 3 (three copies instead of two) of chr21:7,749,532-46,670,405 (38.92 Mb, GRCh38 coordinates, 1-based), cytogenetic band 21p11.2-q22.3.
Identifiers: ClinVar variation 160886 (VCV000160886.1).

ClinVar aggregate classification (germline): Pathogenic. Review status: criteria provided, multiple submitters, no conflicts (2 of 4 stars). 3 submissions from 3 submitters: Pathogenic (3). Last evaluated 2011-08-12.

Submissions (3):

ISCA site 14
Classification: Pathogenic. Last evaluated: 2011-08-12. Review status: criteria provided, single submitter. Criteria: Kaminsky et al. (Genet Med. 2011). Collection method: clinical testing. Allele origin: unknown. Affected: yes. Observed: 2 variant alleles.
Comment: Copy number variation identified through the course of routine clinical cytogenomic testing in postnatal populations. Clinical assertions have been curated as described in Kaminsky et al. 2011.

ISCA site 17
Classification: Pathogenic. Last evaluated: 2011-08-12. Review status: criteria provided, single submitter. Criteria: Kaminsky et al. (Genet Med. 2011). Collection method: clinical testing. Allele origin: unknown. Affected: yes. Observed: 3 variant alleles. Clinical features observed: Developmental delay AND/OR other significant developmental or morphological phenotypes.
Comment: the same text as in the submission from ISCA site 14 above.

ISCA site 4
Classification: Pathogenic. Last evaluated: 2011-08-12. Review status: criteria provided, single submitter. Criteria: Kaminsky et al. (Genet Med. 2011). Collection method: clinical testing. Allele origin: unknown. Affected: yes. Observed: 8 variant alleles. Clinical features observed: Developmental delay AND/OR other significant developmental or morphological phenotypes, Autism (HP:0000717), Microcephaly (HP:0000252).
Comment: the same text as in the submission from ISCA site 14 above.